The following is an entry in ClinVar:

ClinVar aggregate classification (germline): Conflicting classifications of pathogenicity. Review status: criteria provided, conflicting classifications (1 of 4 stars). 2 submissions from 2 submitters: Uncertain significance (1); Likely benign (1). Last evaluated 2019-12-26.

Conditions:
Charcot-Marie-Tooth disease. Also called: Charcot-Marie-Tooth Hereditary Neuropathy; Charcot-Marie-Tooth Neuropathy. Identifiers: Orphanet 166, MedGen C0007959, MONDO:0015626.

Allele frequency attached by ClinVar (database versions not stated): gnomAD exomes 0.00002 and 0.00004; TOPMed 0.00002; ExAC 0.00003.
gnomAD v4.1: 55 of 1,613,868 alleles (0.0034%); highest among the groups gnomAD compares: Non-Finnish European, 0.0044%; no homozygotes.

Submissions (2):

GeneDx
Classification: Likely benign. Last evaluated: 2019-12-26. Review status: criteria provided, single submitter. Criteria: GeneDx Variant Classification Process June 2021. Collection method: clinical testing. Allele origin: germline. Affected: yes.
Comment: See Variant Classification Assertion Criteria.

Molecular Genetics Laboratory, London Health Sciences Centre
Classification: Uncertain significance for Charcot-Marie-Tooth disease. Review status: criteria provided, single submitter. Criteria: ACMG Guidelines, 2015. Collection method: clinical testing. Allele origin: germline. Affected: yes.

NM_006158.5(NEFL):c.*2C>A

Gene: NEFL (neurofilament light chain; minus strand). Cytogenetic location: 8p21.2.
Variant type: single nucleotide variant.
Coding change: c.*2C>A on transcript NM_006158.5 (MANE Select); 2 bases downstream of the stop codon, C replaced by A.
Molecular consequence: 3 prime UTR variant.
Genome position (GRCh38, 1-based): chr8:24,952,808, G>T on the plus strand (C>A on the coding strand, the complement: NEFL is on the minus strand). VCF-style: chr8-24952808-G-T. GRCh37 (hg19) VCF-style: chr8-24810321-G-T.
Identifiers: ClinVar variation 916809 (VCV000916809.3), dbSNP rs754312148, ClinGen allele CA4681216.
Genomic context (GRCh38, chr8:24,952,808, plus strand): 5'-TGGTGATGGGGTTGACCTGATTTCGGGAGAATTATTCCTGAAATAATTAAGGAAATGGGG[G>T]TTCAATCTTTCTTCTTAGCTGCTTGTTCCTCCCCAGCACCTTCAACTTTCTTCTCCTCCT-3'